The following is an entry in ClinVar:

ClinVar aggregate classification (germline): Benign/Likely benign. Review status: criteria provided, multiple submitters, no conflicts (2 of 4 stars). 3 submissions from 3 submitters: Benign (1); Likely benign (2). Last evaluated 2025-07-16.

Conditions:
Long QT syndrome (LQTS). Identifiers: MedGen C0023976, MeSH D008133, MONDO:0002442. Disease mechanism: loss of function. Inheritance: Various modes of inheritance.

Allele frequency attached by ClinVar (database versions not stated): gnomAD 0.00016 and 0.00017.

Submissions (3):

Labcorp Genetics (formerly Invitae), Labcorp
Classification: Likely benign for Long QT syndrome. Last evaluated: 2025-07-16. Review status: criteria provided, single submitter. Criteria: Invitae Variant Classification Sherloc (09022015). Collection method: clinical testing. Allele origin: germline.

Women's Health and Genetics/Laboratory Corporation of America, LabCorp
Classification: Likely benign. Last evaluated: 2024-12-16. Review status: criteria provided, single submitter. Criteria: LabCorp Variant Classification Summary - May 2015. Collection method: clinical testing. Allele origin: germline.
Comment: Variant summary: ANK2 c.11032+19A>G alters a non-conserved nucleotide located at a position not widely known to affect splicing. Consensus agreement among computation tools predict no significant impact on normal splicing (TrAP). However, these predictions have yet to be confirmed by functional studies. The variant was absent in 232362 control chromosomes. The available data on variant occurrences in the general population are insufficient to allow any conclusion about variant significance. To our knowledge, no occurrence of c.11032+19A>G in individuals affected with Arrhythmia and no experimental evidence demonstrating its impact on protein function have been reported. ClinVar contains an entry for this variant (Variation ID: 136396). Based on the evidence outlined above, the variant was classified as likely benign.

GeneDx
Classification: Benign. Last evaluated: 2014-01-22. Review status: criteria provided, single submitter. Criteria: GeneDx Variant Classification (06012015). Collection method: clinical testing. Allele origin: germline. Affected: yes.
Comment: This variant is considered likely benign or benign based on one or more of the following criteria: it is a conservative change, it occurs at a poorly conserved position in the protein, it is predicted to be benign by multiple in silico algorithms, and/or has population frequency not consistent with disease.

NM_001148.6(ANK2):c.11032+19A>G

Gene: ANK2 (ankyrin 2; plus strand). Cytogenetic location: 4q26.
Variant type: single nucleotide variant.
Coding change: c.11032+19A>G on transcript NM_001148.6 (MANE Select); 19 bases into the intron after coding-DNA position 11032, A replaced by G.
Molecular consequence: intron variant.
Genome position (GRCh38, 1-based): chr4:113,365,201, A>G. VCF-style: chr4-113365201-A-G. GRCh37 (hg19) VCF-style: chr4-114286357-A-G.
Other names: c.4762+19A>G (NM_001386186.2, NM_001386148.2); c.4564+19A>G (NM_001354269.3); c.4642+19A>G (NM_001386187.2); c.4603+19A>G (NM_001386147.1); c.4621+19A>G (NM_001386160.1); c.4726+19A>G (NM_001354254.2); c.4747+19A>G (NM_001354239.2, NM_001354252.2); c.4648+19A>G (NM_001354272.2); and 35 more.
Identifiers: ClinVar variation 136396 (VCV000136396.10), dbSNP rs200769962, ClinGen allele CA289464.